The following is an entry in ClinVar:

NM_001267550.2(TTN):c.94586C>T (p.Ala31529Val)

Genes: TTN (titin; minus strand), TTN-AS1 (TTN antisense RNA 1; plus strand). Cytogenetic location: 2q31.2.
Variant type: single nucleotide variant.
Coding change: c.94586C>T on transcript NM_001267550.2 (MANE Select); coding-DNA position 94586, C replaced by T.
Protein change: p.Ala31529Val; replaces alanine 31529 with valine.
Molecular consequence: missense variant.
Genome position (GRCh38, 1-based): chr2:178,546,842, G>A on the plus strand (C>T on the coding strand, the complement: TTN is on the minus strand). VCF-style: chr2-178546842-G-A. GRCh37 (hg19) VCF-style: chr2-179411569-G-A.
Other names: c.89663C>T, p.Ala29888Val (NM_001256850.1); c.67391C>T, p.Ala22464Val (NM_003319.4); c.86882C>T, p.Ala28961Val (NM_133378.4); c.67766C>T, p.Ala22589Val (NM_133432.3); c.67967C>T, p.Ala22656Val (NM_133437.4); short protein forms A22464V, A22589V, A22656V, A28961V, A29888V, A31529V.
Identifiers: ClinVar variation 2637104 (VCV002637104.1), dbSNP rs2469068624, ClinGen allele CA349472338.

ClinVar aggregate classification (germline): Uncertain significance (1 of 4 stars; one submission).

Conditions:
TTN-related disorder. Also called: TTN-related condition; TTN-related disease; TTN-related disorders.

Allele frequency attached by ClinVar (database versions not stated): gnomAD exomes below 0.00001.
gnomAD v4.1: 1 of 1,606,816 alleles (0.000062%); highest among the groups gnomAD compares: Non-Finnish European, 0.000085%; no homozygotes.

Submission:

PreventionGenetics, part of Exact Sciences
Classification: Uncertain significance for TTN-related condition. Last evaluated: 2022-10-11. Review status: criteria provided, single submitter. Criteria: ACMG Guidelines, 2015. Collection method: clinical testing. Allele origin: germline.
Comment: The TTN c.94586C>T variant is predicted to result in the amino acid substitution p.Ala31529Val. To our knowledge, this variant has not been reported in the literature or in a large population database, indicating this variant is rare. At this time, the clinical significance of this variant is uncertain due to the absence of conclusive functional and genetic evidence.